The following is an entry in ClinVar:

NM_014319.5(LEMD3):c.241C>G (p.Pro81Ala)

Gene: LEMD3 (LEM domain containing 3; plus strand). Cytogenetic location: 12q14.3.
Variant type: single nucleotide variant.
Coding change: c.241C>G on transcript NM_014319.5 (MANE Select); coding-DNA position 241, C replaced by G.
Protein change: p.Pro81Ala; replaces proline 81 with alanine.
Molecular consequence: missense variant.
Genome position (GRCh38, 1-based): chr12:65,169,837, C>G. VCF-style: chr12-65169837-C-G. GRCh37 (hg19) VCF-style: chr12-65563617-C-G.
Other names: c.241C>G, p.Pro81Ala (NM_001167614.2); c.241C>G (NM_014319.4); short protein forms P81A.
Identifiers: ClinVar variation 1026852 (VCV001026852.10), dbSNP rs778640480, ClinGen allele CA6670705.

ClinVar aggregate classification (germline): Uncertain significance. Review status: criteria provided, multiple submitters, no conflicts (2 of 4 stars). 2 submissions from 2 submitters: Uncertain significance (2). Last evaluated 2025-09-28.

Conditions:
Inborn genetic diseases. Identifiers: MedGen C0950123, MeSH D030342.

Allele frequency attached by ClinVar (database versions not stated): TOPMed 0.00011; ExAC 0.00035.
gnomAD v4.1: 54 of 1,464,752 alleles (0.0037%); highest among the groups gnomAD compares: African/African-American, 0.032%; no homozygotes.

Submissions (2):

Labcorp Genetics (formerly Invitae), Labcorp
Classification: Uncertain significance. Last evaluated: 2025-09-28. Review status: criteria provided, single submitter. Criteria: Invitae Variant Classification Sherloc (09022015). Collection method: clinical testing. Allele origin: germline.
Comment: This sequence change replaces proline, which is neutral and non-polar, with alanine, which is neutral and non-polar, at codon 81 of the LEMD3 protein (p.Pro81Ala). This variant is present in population databases (rs778640480, gnomAD 0.05%), and has an allele count higher than expected for a pathogenic variant. This variant has not been reported in the literature in individuals affected with LEMD3-related conditions. ClinVar contains an entry for this variant (Variation ID: 1026852). An algorithm developed to predict the effect of missense changes on protein structure and function (PolyPhen-2) suggests that this variant is likely to be tolerated. In summary, the available evidence is currently insufficient to determine the role of this variant in disease. Therefore, it has been classified as a Variant of Uncertain Significance.

Ambry Genetics
Classification: Uncertain significance for Inborn genetic diseases. Last evaluated: 2024-11-10. Review status: criteria provided, single submitter. Criteria: Ambry Variant Classification Scheme 2023. Collection method: clinical testing. Allele origin: germline.